The following is an entry in ClinVar:

ClinVar aggregate classification (germline): Uncertain significance (1 of 4 stars; one submission).

Allele frequency attached by ClinVar (database versions not stated): gnomAD 0.00001; TOPMed 0.00001; gnomAD exomes 0.00003; ExAC 0.00006; ESP Exome Variant Server 0.00008.
gnomAD v4.1: 21 of 1,608,602 alleles (0.0013%); highest among the groups gnomAD compares: Admixed American, 0.005%; no homozygotes.

Submission:

Labcorp Genetics (formerly Invitae), Labcorp
Classification: Uncertain significance. Last evaluated: 2025-08-17. Review status: criteria provided, single submitter. Criteria: Invitae Variant Classification Sherloc (09022015). Collection method: clinical testing. Allele origin: germline.
Comment: This sequence change replaces glutamic acid, which is acidic and polar, with glycine, which is neutral and non-polar, at codon 583 of the DDX58 protein (p.Glu583Gly). This variant is present in population databases (rs371685816, gnomAD 0.007%). This variant has not been reported in the literature in individuals affected with DDX58-related conditions. ClinVar contains an entry for this variant (Variation ID: 1360416). Invitae Evidence Modeling of protein sequence and biophysical properties (such as structural, functional, and spatial information, amino acid conservation, physicochemical variation, residue mobility, and thermodynamic stability) indicates that this missense variant is expected to disrupt DDX58 protein function with a positive predictive value of 80%. In summary, the available evidence is currently insufficient to determine the role of this variant in disease. Therefore, it has been classified as a Variant of Uncertain Significance.

NM_014314.4(RIGI):c.1748A>G (p.Glu583Gly)

Gene: RIGI (RNA sensor RIG-I; minus strand). Cytogenetic location: 9p21.1.
Variant type: single nucleotide variant.
Coding change: c.1748A>G on transcript NM_014314.4 (MANE Select); coding-DNA position 1748, A replaced by G.
Protein change: p.Glu583Gly; replaces glutamic acid 583 with glycine.
Molecular consequence: missense variant.
Genome position (GRCh38, 1-based): chr9:32,480,245, T>C on the plus strand (A>G on the coding strand, the complement: RIGI is on the minus strand). VCF-style: chr9-32480245-T-C. GRCh37 (hg19) VCF-style: chr9-32480243-T-C.
Other names: c.1742A>G, p.Glu581Gly (NM_001385907.1); c.1748A>G, p.Glu583Gly (NM_001385909.1); c.1307A>G, p.Glu436Gly (NM_001385910.1); c.1139A>G, p.Glu380Gly (NM_001385912.1); c.1733A>G, p.Glu578Gly (NM_001385913.1); c.1304A>G, p.Glu435Gly (NM_001385914.1); short protein forms E435G, E583G, E581G, E436G, E380G, E578G.
Identifiers: ClinVar variation 1360416 (VCV001360416.8), dbSNP rs371685816, ClinGen allele CA5019704.